The following is an entry in ClinVar:

NM_000069.3(CACNA1S):c.5101G>A (p.Gly1701Arg)

Gene: CACNA1S (calcium voltage-gated channel subunit alpha1 S; minus strand). Cytogenetic location: 1q32.1.
Variant type: single nucleotide variant.
Coding change: c.5101G>A on transcript NM_000069.3 (MANE Select); coding-DNA position 5101, G replaced by A.
Protein change: p.Gly1701Arg; replaces glycine 1701 with arginine.
Molecular consequence: missense variant.
Genome position (GRCh38, 1-based): chr1:201,041,537, C>T on the plus strand (G>A on the coding strand, the complement: CACNA1S is on the minus strand). VCF-style: chr1-201041537-C-T. GRCh37 (hg19) VCF-style: chr1-201010665-C-T.
Other names: short protein forms G1701R.
Identifiers: ClinVar variation 1419247 (VCV001419247.9), dbSNP rs1660204682, ClinGen allele CA344133095.

ClinVar aggregate classification (germline): Uncertain significance. Review status: criteria provided, multiple submitters, no conflicts (2 of 4 stars). 6 submissions from 3 submitters: Uncertain significance (6). Last evaluated 2024-02-29.

Conditions:
Hypokalemic periodic paralysis, type 1. Also called: Hypokalemic Periodic Paralysis Type 1 (AD); HypoPP. Identifiers: Orphanet 681, MedGen C3714580, MONDO:0042979, OMIM 170400.
Malignant hyperthermia, susceptibility to, 5 (MHS5). Also called: CACNA1S-Related Malignant Hyperthermia Susceptibility. Identifiers: Orphanet 423, MedGen C1866077, MONDO:0011163, OMIM 601887.
Thyrotoxic periodic paralysis, susceptibility to, 1 (TTPP1). Identifiers: Orphanet 79102, MedGen C2749982, MONDO:0008570, OMIM 188580.
Congenital myopathy 18. Also called: DIHYDROPYRIDINE RECEPTOR CONGENITAL MYOPATHY; DHPR CONGENITAL MYOPATHY; Myopathy, congenital, due to dihydropyridine receptor defect. Identifiers: MedGen C5830283, MONDO:0859514, OMIM 620246.

Allele frequency attached by ClinVar (database versions not stated): gnomAD exomes below 0.00001; TOPMed below 0.00001.
gnomAD v4.1: 1 of 1,614,192 alleles (0.000062%); highest among the groups gnomAD compares: Non-Finnish European, 0.000085%; no homozygotes.

Submissions (6):

Fulgent Genetics
Classification: Uncertain significance for Hypokalemic periodic paralysis, type 1; Thyrotoxic periodic paralysis, susceptibility to, 1; Malignant hyperthermia, susceptibility to, 5; Congenital myopathy 18. Last evaluated: 2024-02-29. Review status: criteria provided, single submitter. Criteria: ACMG Guidelines, 2015. Collection method: clinical testing. Allele origin: germline.

Labcorp Genetics (formerly Invitae), Labcorp
Classification: Uncertain significance for Hypokalemic periodic paralysis, type 1; Malignant hyperthermia, susceptibility to, 5. Last evaluated: 2023-05-01. Review status: criteria provided, single submitter. Criteria: Invitae Variant Classification Sherloc (09022015). Collection method: clinical testing. Allele origin: germline.
Comment: In summary, the available evidence is currently insufficient to determine the role of this variant in disease. Therefore, it has been classified as a Variant of Uncertain Significance. Advanced modeling of protein sequence and biophysical properties (such as structural, functional, and spatial information, amino acid conservation, physicochemical variation, residue mobility, and thermodynamic stability) performed at Invitae indicates that this missense variant is not expected to disrupt CACNA1S protein function. ClinVar contains an entry for this variant (Variation ID: 1419247). This variant has not been reported in the literature in individuals affected with CACNA1S-related conditions. This variant is not present in population databases (gnomAD no frequency). This sequence change replaces glycine, which is neutral and non-polar, with arginine, which is basic and polar, at codon 1701 of the CACNA1S protein (p.Gly1701Arg).

Genome-Nilou Lab
Classification: Uncertain significance for Malignant hyperthermia, susceptibility to, 5. Last evaluated: 2023-04-11. Review status: criteria provided, single submitter. Criteria: ACMG Guidelines, 2015. Collection method: clinical testing. Allele origin: germline. Affected: no.

Genome-Nilou Lab
Classification: Uncertain significance for Thyrotoxic periodic paralysis, susceptibility to, 1. Last evaluated: 2023-04-11. Review status: criteria provided, single submitter. Criteria: ACMG Guidelines, 2015. Collection method: clinical testing. Allele origin: germline. Affected: no.

Genome-Nilou Lab
Classification: Uncertain significance for Congenital myopathy 18. Last evaluated: 2023-04-11. Review status: criteria provided, single submitter. Criteria: ACMG Guidelines, 2015. Collection method: clinical testing. Allele origin: germline. Affected: no.

Genome-Nilou Lab
Classification: Uncertain significance for Hypokalemic periodic paralysis, type 1. Last evaluated: 2023-04-11. Review status: criteria provided, single submitter. Criteria: ACMG Guidelines, 2015. Collection method: clinical testing. Allele origin: germline. Affected: no.